The following is an entry in ClinVar:

ClinVar aggregate classification (germline): Conflicting classifications of pathogenicity. Review status: criteria provided, conflicting classifications (1 of 4 stars). 4 submissions from 4 submitters: Uncertain significance (3); Likely benign (1). Last evaluated 2026-03-24.

Conditions:
Cardiovascular phenotype. Identifiers: MedGen CN230736.

Allele frequency attached by ClinVar (database versions not stated): gnomAD exomes 0.00001 and 0.00003; TOPMed 0.00002; gnomAD 0.00003 and 0.00004; ExAC 0.00008.
gnomAD v4.1: 48 of 1,549,540 alleles (0.0031%); highest among the groups gnomAD compares: Middle Eastern, 0.017%; no homozygotes.

Submissions (4):

Women's Health and Genetics/Laboratory Corporation of America, LabCorp
Classification: Uncertain significance. Last evaluated: 2026-03-24. Review status: criteria provided, single submitter. Criteria: LabCorp Variant Classification Summary - May 2015. Collection method: clinical testing. Allele origin: germline.
Comment: Variant summary: ZNF469 c.6322G>A (p.Gly2108Arg) results in a non-conservative amino acid change in the encoded protein sequence. Algorithms developed to predict the effect of missense changes on protein structure and function are either unavailable or do not agree on the potential impact of this missense change. The variant allele was found at a frequency of 1.4e-05 in 145772 control chromosomes. The available data on variant occurrences in the general population are insufficient to allow any conclusion about variant significance. To our knowledge, no occurrence of c.6322G>A in individuals affected with ZNF469-related conditions and no experimental evidence demonstrating its impact on protein function have been reported. ClinVar contains an entry for this variant (Variation ID: 1422642). Based on the evidence outlined above, the variant was classified as uncertain significance.

Labcorp Genetics (formerly Invitae), Labcorp
Classification: Uncertain significance. Last evaluated: 2025-12-01. Review status: criteria provided, single submitter. Criteria: Invitae Variant Classification Sherloc (09022015). Collection method: clinical testing. Allele origin: germline.
Comment: This sequence change replaces glycine, which is neutral and non-polar, with arginine, which is basic and polar, at codon 2080 of the ZNF469 protein (p.Gly2080Arg). This variant is present in population databases (rs749986676, gnomAD 0.009%). This variant has not been reported in the literature in individuals affected with ZNF469-related conditions. ClinVar contains an entry for this variant (Variation ID: 1422642). An algorithm developed to predict the effect of missense changes on protein structure and function outputs the following: PolyPhen-2: "Benign". The arginine amino acid residue is found in multiple mammalian species, which suggests that this missense change does not adversely affect protein function. In summary, the available evidence is currently insufficient to determine the role of this variant in disease. Therefore, it has been classified as a Variant of Uncertain Significance.

GeneDx
Classification: Uncertain significance. Last evaluated: 2024-05-01. Review status: criteria provided, single submitter. Criteria: GeneDx Variant Classification Process June 2021. Collection method: clinical testing. Allele origin: germline. Affected: yes.
Comment: Has not been previously published as pathogenic or benign to our knowledge; Not observed at significant frequency in large population cohorts (gnomAD); In silico analysis indicates that this missense variant does not alter protein structure/function

Ambry Genetics
Classification: Likely benign for Cardiovascular phenotype. Last evaluated: 2021-11-28. Review status: criteria provided, single submitter. Criteria: Ambry Variant Classification Scheme 2023. Collection method: clinical testing. Allele origin: germline.

NM_001367624.2(ZNF469):c.6322G>A (p.Gly2108Arg)

Gene: ZNF469 (zinc finger protein 469; plus strand). Cytogenetic location: 16q24.2.
Variant type: single nucleotide variant.
Coding change: c.6322G>A on transcript NM_001367624.2 (MANE Select); coding-DNA position 6322, G replaced by A.
Protein change: p.Gly2108Arg; replaces glycine 2108 with arginine.
Molecular consequence: missense variant.
Genome position (GRCh38, 1-based): chr16:88,433,792, G>A. VCF-style: chr16-88433792-G-A. GRCh37 (hg19) VCF-style: chr16-88500200-G-A.
Other names: NM_001127464.1:c.6238G>A; short protein forms G2108R.
Identifiers: ClinVar variation 1422642 (VCV001422642.11), dbSNP rs749986676, ClinGen allele CA8225141.
Genomic context (GRCh38, chr16:88,433,792, plus strand): 5'-TCCAGCCCCGGCCTGAACAAGCCACTGCTGGCCACAGGGGATAGCCCAGCACCCTCTGTC[G>A]GGGACCTGGCCGCCTGCGCCCCCTCACCCACTTCAGCCGCCCACATGCCCTGCAGCCTTG-3'
Protein context (NP_001354553.1, residues 2098-2118): ATGDSPAPSV[Gly2108Arg]DLAACAPSPT